The following is an entry in ClinVar:

NM_016938.5(EFEMP2):c.368-11G>A

Gene: EFEMP2 (EGF-like fibulin extracellular matrix protein 2; minus strand). Cytogenetic location: 11q13.1.
Variant type: single nucleotide variant.
Coding change: c.368-11G>A on transcript NM_016938.5 (MANE Select); 11 bases into the intron before coding-DNA position 368, G replaced by A.
Molecular consequence: intron variant.
Genome position (GRCh38, 1-based): chr11:65,870,669, C>T on the plus strand (G>A on the coding strand, the complement: EFEMP2 is on the minus strand). VCF-style: chr11-65870669-C-T. GRCh37 (hg19) VCF-style: chr11-65638140-C-T.
Identifiers: ClinVar variation 178773 (VCV000178773.30), dbSNP rs181514768, ClinGen allele CA183009.

ClinVar aggregate classification (germline): Benign/Likely benign. Review status: criteria provided, multiple submitters, no conflicts (2 of 4 stars). 8 submissions from 8 submitters: Benign (2); Likely benign (5). 1 of the submissions does not count toward it. Last evaluated 2026-02-01.

Conditions:
EFEMP2-related disorder. Also called: EFEMP2-related condition.
Cutis laxa, autosomal recessive, type 1B (ARCL1B). Also called: EFEMP2-Related Cutis Laxa; CUTIS LAXA, AUTOSOMAL RECESSIVE, TYPE IB. Identifiers: Orphanet 90349, MedGen C3280798, MONDO:0013754, OMIM 614437. Disease mechanism: loss of function.

Allele frequency attached by ClinVar (database versions not stated): ExAC 0.00253; gnomAD exomes 0.00260; gnomAD 0.00272 and 0.00275; 1000 Genomes Project 0.00319; TOPMed 0.00326; ESP Exome Variant Server 0.00354; 1000 Genomes Project 30x 0.00375.
gnomAD v4.1: 6,645 of 1,613,912 alleles (0.41%); highest among the groups gnomAD compares: Non-Finnish European, 0.5%; 22 homozygotes.

Submissions (8):

Labcorp Genetics (formerly Invitae), Labcorp
Classification: Benign for Cutis laxa, autosomal recessive, type 1B. Last evaluated: 2026-02-01. Review status: criteria provided, single submitter. Criteria: Invitae Variant Classification Sherloc (09022015). Collection method: clinical testing. Allele origin: germline.

ARUP Laboratories, Molecular Genetics and Genomics, ARUP Laboratories
Classification: Likely benign for Cutis laxa, autosomal recessive, type 1B. Last evaluated: 2025-05-01. Review status: criteria provided, single submitter. Criteria: ARUP Molecular Germline Variant Investigation Process 2024. Collection method: clinical testing. Allele origin: germline.

Blueprint Genetics
Classification: Likely benign. Last evaluated: 2024-11-26. Review status: criteria provided, single submitter. Criteria: ACMG Guidelines, 2015. Collection method: clinical testing. Allele origin: germline.

Women's Health and Genetics/Laboratory Corporation of America, LabCorp
Classification: Benign. Last evaluated: 2023-07-21. Review status: criteria provided, single submitter. Criteria: LabCorp Variant Classification Summary - May 2015. Collection method: clinical testing. Allele origin: germline.

GeneDx
Classification: Likely benign. Last evaluated: 2021-05-27. Review status: criteria provided, single submitter. Criteria: GeneDx Variant Classification Process June 2021. Collection method: clinical testing. Allele origin: germline. Affected: yes.

Illumina Laboratory Services, Illumina
Classification: Likely benign for Cutis laxa, autosomal recessive, type 1B. Last evaluated: 2018-01-13. Review status: criteria provided, single submitter. Criteria: ICSL Variant Classification Criteria 13 December 2019. Collection method: clinical testing. Allele origin: germline.
Comment: This variant was observed in the ICSL laboratory as part of a predisposition screen in an ostensibly healthy population. It had not been previously curated by ICSL or reported in the Human Gene Mutation Database (HGMD: prior to June 1st, 2018), and was therefore a candidate for classification through an automated scoring system. Utilizing variant allele frequency, disease prevalence and penetrance estimates, and inheritance mode, an automated score was calculated to assess if this variant is too frequent to cause the disease. Based on the score and internal cut-off values, a variant classified as likely benign is not then subjected to further curation. The score for this variant resulted in a classification of likely benign for this disease.

Laboratory for Molecular Medicine, Mass General Brigham Personalized Medicine
Classification: Likely benign. Last evaluated: 2013-02-21. Review status: criteria provided, single submitter. Criteria: LMM Criteria. Collection method: clinical testing. Allele origin: germline. Observed: 1 variant allele.
Comment: 368-11G>A in intron 4 of EFEMP2: This variant is not expected to have clinical s ignificance because it has been identified in 0.5% (40/8592) of European America n chromosomes from a broad population by the NHLBI Exome Sequencing Project (dbSNP rs181514768).

PreventionGenetics, part of Exact Sciences
Classification: Likely benign for EFEMP2-related condition. Last evaluated: 2021-04-25. Review status: no assertion criteria provided. Collection method: clinical testing. Allele origin: germline. Not counted in ClinVar's aggregate classification.
Comment: This variant is classified as likely benign based on ACMG/AMP sequence variant interpretation guidelines (Richards et al. 2015 PMID: 25741868, with internal and published modifications).